The following is an entry in ClinVar:

ClinVar aggregate classification (germline): Conflicting classifications of pathogenicity. Review status: criteria provided, conflicting classifications (1 of 4 stars). 9 submissions from 9 submitters: Uncertain significance (2); Benign (5); Likely benign (2). Last evaluated 2026-01-19.

Conditions:
Early-infantile DEE. Also called: Early infantile epileptic encephalopathy; Early infantile epileptic encephalopathy with suppression bursts; Ohtahara syndrome. Identifiers: Orphanet 1934, MedGen C0393706, MONDO:0800491.
Inborn genetic diseases. Identifiers: MedGen C0950123, MeSH D030342.
Developmental and epileptic encephalopathy, 5 (DEE5). Identifiers: Orphanet 3451, MedGen C3150731, MONDO:0013277, OMIM 613477.
Bilateral tonic-clonic seizure. Also called: Generalized tonic-clonic seizures. Identifiers: MedGen C0494475, HP:0002069.

Allele frequency attached by ClinVar (database versions not stated): 1000 Genomes Project 30x 0.00172; gnomAD 0.00175; 1000 Genomes Project 0.00180; TOPMed 0.00190; ESP Exome Variant Server 0.00231.
gnomAD v4.1: 561 of 1,614,154 alleles (0.035%); highest among the groups gnomAD compares: African/African-American, 0.65%; 4 homozygotes.

Submissions (9):

Labcorp Genetics (formerly Invitae), Labcorp
Classification: Benign for Early-infantile DEE. Last evaluated: 2026-01-19. Review status: criteria provided, single submitter. Criteria: Invitae Variant Classification Sherloc (09022015). Collection method: clinical testing. Allele origin: germline.

Blueprint Genetics
Classification: Likely benign. Last evaluated: 2024-10-16. Review status: criteria provided, single submitter. Criteria: ACMG Guidelines, 2015. Collection method: clinical testing. Allele origin: germline.

CeGaT Center for Human Genetics Tuebingen
Classification: Benign. Last evaluated: 2022-09-01. Review status: criteria provided, single submitter. Criteria: CeGaT Center For Human Genetics Tuebingen Variant Classification Criteria Version 2. Collection method: clinical testing. Allele origin: germline. Affected: yes. Observed: 1 variant allele.
Comment: SPTAN1: BS1, BS2

Genome-Nilou Lab
Classification: Benign for Developmental and epileptic encephalopathy, 5. Last evaluated: 2021-07-15. Review status: criteria provided, single submitter. Criteria: ACMG Guidelines, 2015. Collection method: clinical testing. Allele origin: germline. Affected: no.

Clinical Molecular Genetics Laboratory, Johns Hopkins All Children's Hospital
Classification: Uncertain significance for tonic clonic seizures. Last evaluated: 2017-04-11. Review status: criteria provided, single submitter. Criteria: ACMG Guidelines, 2015. Collection method: clinical testing. Allele origin: germline. Affected: yes.

Ambry Genetics
Classification: Likely benign for Inborn genetic diseases. Last evaluated: 2017-01-09. Review status: criteria provided, single submitter. Criteria: Ambry Variant Classification Scheme 2023. Collection method: clinical testing. Allele origin: germline.

Eurofins Ntd Llc (ga)
Classification: Benign. Last evaluated: 2015-05-05. Review status: criteria provided, single submitter. Criteria: EGL Classification Definitions 2015. Collection method: clinical testing. Allele origin: germline. Observed: 1 variant allele, 1 heterozygote.

Genetic Services Laboratory, University of Chicago
Classification: Uncertain significance. Last evaluated: 2014-11-24. Review status: criteria provided, single submitter. Criteria: ACMG Guidelines, 2015. Collection method: clinical testing. Allele origin: germline.

GeneDx
Classification: Benign. Last evaluated: 2013-11-26. Review status: criteria provided, single submitter. Criteria: GeneDx Variant Classification (06012015). Collection method: clinical testing. Allele origin: germline. Affected: yes.
Comment: This variant is considered likely benign or benign based on one or more of the following criteria: it is a conservative change, it occurs at a poorly conserved position in the protein, it is predicted to be benign by multiple in silico algorithms, and/or has population frequency not consistent with disease.

NM_001130438.3(SPTAN1):c.6234C>T (p.Ala2078=)

Gene: SPTAN1 (spectrin alpha, non-erythrocytic 1; plus strand). Cytogenetic location: 9q34.11.
Variant type: single nucleotide variant.
Coding change: c.6234C>T on transcript NM_001130438.3 (MANE Select); coding-DNA position 6234, C replaced by T.
Protein change: p.Ala2078=; no amino-acid change (alanine 2078 retained).
Molecular consequence: synonymous variant.
Genome position (GRCh38, 1-based): chr9:128,625,933, C>T. VCF-style: chr9-128625933-C-T. GRCh37 (hg19) VCF-style: chr9-131388212-C-T.
Other names: p.A2078A:GCC>GCT; c.6159C>T, p.Ala2053= (NM_001195532.2); c.6234C>T, p.Ala2078= (NM_001363759.2); c.6174C>T, p.Ala2058= (NM_001363765.2); c.6219C>T, p.Ala2073= (NM_003127.4).
Identifiers: ClinVar variation 139308 (VCV000139308.50), dbSNP rs147132904, ClinGen allele CA303013.
Genomic context (GRCh38, chr9:128,625,933, plus strand): 5'-CATCGAGGCCCGGCACGCCTCCCTCATGAAGAGGTGGAGCCAGCTTCTGGCCAACTCAGC[C>T]GCCCGCAAGAAGAAGCTTCTGGAGGCTCAGAGTCACTTCCGCAAGGTGAGGATGGGGCCA-3'
Protein context (NP_001123910.1, residues 2068-2088): KRWSQLLANS[Ala2078=]ARKKKLLEAQ